The following is an entry in ClinVar:

NM_017802.4(DNAAF5):c.1219dup (p.Gln407fs)

Gene: DNAAF5 (dynein axonemal assembly factor 5; plus strand). Cytogenetic location: 7p22.3.
Variant type: Duplication.
Coding change: c.1219dup on transcript NM_017802.4 (MANE Select); coding-DNA position 1219, one base duplicated (C; older notation c.1219dupC).
Protein change: p.Gln407fs; shifts the reading frame from glutamine 407.
Molecular consequence: frameshift variant. On other transcripts: non-coding transcript variant (1).
Genome position (GRCh38, 1-based): chr7:754,783, C duplicated; the last of 2 consecutive C bases (chr7:754,782-754,783); duplicating either gives the same sequence. VCF-style (leftmost placement, unchanged base first): chr7-754781-T-TC. GRCh37 (hg19) VCF-style: chr7-794418-T-TC.
Other names: short protein forms Q407fs.
Identifiers: ClinVar variation 2845698 (VCV002845698.3), dbSNP rs2484101705, ClinGen allele CA2739266223.

ClinVar aggregate classification (germline): Pathogenic (1 of 4 stars; one submission).

Conditions:
Primary ciliary dyskinesia. Also called: Ciliary dyskinesia. Identifiers: Orphanet 244, MedGen C0008780, MONDO:0016575, HP:0012265.

Submission:

Labcorp Genetics (formerly Invitae), Labcorp
Classification: Pathogenic for Primary ciliary dyskinesia. Last evaluated: 2023-03-14. Review status: criteria provided, single submitter. Criteria: Invitae Variant Classification Sherloc (09022015). Collection method: clinical testing. Allele origin: germline.
Comment: For these reasons, this variant has been classified as Pathogenic. This variant has not been reported in the literature in individuals affected with DNAAF5-related conditions. This variant is not present in population databases (gnomAD no frequency). This sequence change creates a premature translational stop signal (p.Gln407Profs*28) in the DNAAF5 gene. It is expected to result in an absent or disrupted protein product. Loss-of-function variants in DNAAF5 are known to be pathogenic (PMID: 24307375, 25232951).

Literature cited by the submitters: PubMed 24307375; PubMed 25232951.